The following is an entry in ClinVar:

NM_000553.6(WRN):c.97-2del

Gene: WRN (WRN RecQ like helicase; plus strand). Cytogenetic location: 8p12.
Variant type: Deletion.
Coding change: c.97-2del on transcript NM_000553.6 (MANE Select); the canonical splice acceptor site of the intron before coding-DNA position 97, one base deleted (A; older notation c.97-2delA).
Molecular consequence: splice acceptor variant.
Genome position (GRCh38, 1-based): chr8:31,059,151, A deleted; the last of 2 consecutive A bases (chr8:31,059,150-31,059,151); deleting either gives the same sequence. VCF-style (leftmost placement, unchanged base first): chr8-31059149-CA-C. GRCh37 (hg19) VCF-style: chr8-30916665-CA-C.
Identifiers: ClinVar variation 1519988 (VCV001519988.6), dbSNP rs2130004612, ClinGen allele CA2573142699.
Genomic context (GRCh38, chr8:31,059,149, plus strand): 5'-TTTCAGTGAACATTTGTTATTTGATGTGAACTTTGTGCCTGTTTTGAAATTTACTAAACT[CA>C]AGGCATGTGTTCGGAAGAGTGTTTTTGAAGATGACCTCCCCTTCTTAGAATTCACTGGAT-3'

ClinVar aggregate classification (germline): Uncertain significance (1 of 4 stars; one submission).

Conditions:
Werner syndrome (WRN). Identifiers: Orphanet 902, MedGen C0043119, MONDO:0010196, OMIM 277700.

Submission:

Labcorp Genetics (formerly Invitae), Labcorp
Classification: Uncertain significance for Werner syndrome. Last evaluated: 2022-07-12. Review status: criteria provided, single submitter. Criteria: Invitae Variant Classification Sherloc (09022015). Collection method: clinical testing. Allele origin: germline.
Comment: In summary, the available evidence is currently insufficient to determine the role of this variant in disease. Therefore, it has been classified as a Variant of Uncertain Significance. Variants that disrupt the consensus splice site are a relatively common cause of aberrant splicing (PMID: 17576681, 9536098). Algorithms developed to predict the effect of sequence changes on RNA splicing suggest that this variant may disrupt the consensus splice site. ClinVar contains an entry for this variant (Variation ID: 1519988). This variant has not been reported in the literature in individuals affected with WRN-related conditions. This variant is not present in population databases (gnomAD no frequency). This sequence change falls in intron 2 of the WRN gene. It does not directly change the encoded amino acid sequence of the WRN protein. It affects a nucleotide within the consensus splice site.

Literature cited by the submitters: PubMed 17576681; PubMed 9536098.